The following is an entry in ClinVar:

ClinVar aggregate classification (germline): Uncertain significance (1 of 4 stars; one submission).

Allele frequency attached by ClinVar (database versions not stated): ExAC 0.00007.
gnomAD v4.1: 3 of 1,573,164 alleles (0.00019%); highest among the groups gnomAD compares: South Asian, 0.0023%; no homozygotes.

Submission:

Labcorp Genetics (formerly Invitae), Labcorp
Classification: Uncertain significance. Last evaluated: 2020-01-03. Review status: criteria provided, single submitter. Criteria: Invitae Variant Classification Sherloc (09022015). Collection method: clinical testing. Allele origin: germline.
Comment: In summary, the available evidence is currently insufficient to determine the role of this variant in disease. Therefore, it has been classified as a Variant of Uncertain Significance. Algorithms developed to predict the effect of missense changes on protein structure and function are either unavailable or do not agree on the potential impact of this missense change (SIFT: "Deleterious"; PolyPhen-2: "Not Available"; Align-GVGD: "Class C0"). This variant has not been reported in the literature in individuals with PDZD7-related conditions. This variant is present in population databases (rs756014531, ExAC 0.02%). This sequence change replaces alanine with valine at codon 369 of the PDZD7 protein (p.Ala369Val). The alanine residue is highly conserved and there is a small physicochemical difference between alanine and valine.

NM_001195263.2(PDZD7):c.1106C>T (p.Ala369Val)

Gene: PDZD7 (PDZ domain containing 7; minus strand). Cytogenetic location: 10q24.31.
Variant type: single nucleotide variant.
Coding change: c.1106C>T on transcript NM_001195263.2 (MANE Select); coding-DNA position 1106, C replaced by T.
Protein change: p.Ala369Val; replaces alanine 369 with valine.
Molecular consequence: missense variant.
Genome position (GRCh38, 1-based): chr10:101,019,040, G>A on the plus strand (C>T on the coding strand, the complement: PDZD7 is on the minus strand). VCF-style: chr10-101019040-G-A. GRCh37 (hg19) VCF-style: chr10-102778797-G-A.
Other names: c.1106C>T, p.Ala369Val (NM_001351044.2, NM_024895.5); short protein forms A369V.
Identifiers: ClinVar variation 1018805 (VCV001018805.9), dbSNP rs756014531, ClinGen allele CA5654159.
Genomic context (GRCh38, chr10:101,019,040, plus strand): 5'-GTGGGCCGCACGCTGCACCAGGTCTCCACCCGGCCTCCCGCATCGGGCTCCGTCTGCATG[G>A]CTGTGTCCGCCCGCCCCCAGCCTGGGCCGCGGCTGCCGGGCTCCTCCTGCCCGAGGCAGA-3'
Protein context (NP_001182192.1, residues 359-379): RGPGWGRADT[Ala369Val]MQTEPDAGGR